The following is an entry in ClinVar:

ClinVar aggregate classification (germline): Uncertain significance (1 of 4 stars; one submission).

Submission:

GeneDx
Classification: Uncertain significance. Last evaluated: 2024-09-12. Review status: criteria provided, single submitter. Criteria: GeneDx Variant Classification Process June 2021. Collection method: clinical testing. Allele origin: germline. Affected: yes.
Comment: Not observed at significant frequency in large population cohorts (gnomAD); Frameshift variant predicted to result in protein truncation or nonsense mediated decay in a gene or region of a gene for which loss of function is not a well-established mechanism of disease D; Has not been previously published as pathogenic or benign to our knowledge; Variants in candidate genes are classified as variants of uncertain significance in accordance with ACMG guidelines (PMID: 25741868)

NM_003458.4(BSN):c.1702del (p.Leu568fs)

Gene: BSN (bassoon presynaptic cytomatrix protein; plus strand). Cytogenetic location: 3p21.31.
Variant type: Deletion.
Coding change: c.1702del on transcript NM_003458.4 (MANE Select); coding-DNA position 1702, one base deleted (C; older notation c.1702delC).
Protein change: p.Leu568fs; shifts the reading frame from leucine 568.
Molecular consequence: frameshift variant.
Genome position (GRCh38, 1-based): chr3:49,650,795, C deleted; the last of 5 consecutive C bases (chr3:49,650,791-49,650,795); deleting any one gives the same sequence. VCF-style (leftmost placement, unchanged base first): chr3-49650790-GC-G. GRCh37 (hg19) VCF-style: chr3-49688223-GC-G.
Other names: short protein forms L568fs.
Identifiers: ClinVar variation 3900343 (VCV003900343.1).
Genomic context (GRCh38, chr3:49,650,790, plus strand): 5'-GTGCATCTGGAACATCCCCTCTGAAGCAGAAAGGGCCACAGGGGCTGGGCCAGCCTTCAG[GC>G]CCCCTGCCTGCCAAGGCCAGCCCTCTATCCACCAAGGCCAGCCCTCTGCCCAGCAAGGCC-3'